The following is an entry in ClinVar:

ClinVar aggregate classification (germline): Uncertain significance (1 of 4 stars; one submission).

Conditions:
Anauxetic dysplasia. Identifiers: Orphanet 93347, MedGen C1846796, MONDO:0011773.

Submission:

Labcorp Genetics (formerly Invitae), Labcorp
Classification: Uncertain significance for Anauxetic dysplasia. Last evaluated: 2022-07-26. Review status: criteria provided, single submitter. Criteria: Invitae Variant Classification Sherloc (09022015). Collection method: clinical testing. Allele origin: germline.
Comment: This variant has not been reported in the literature in individuals affected with RMRP-related conditions. In summary, the available evidence is currently insufficient to determine the role of this variant in disease. Therefore, it has been classified as a Variant of Uncertain Significance. Experimental studies and prediction algorithms are not available or were not evaluated, and the functional significance of this variant is currently unknown. ClinVar contains an entry for this variant (Variation ID: 1508875). This variant is not present in population databases (gnomAD no frequency). This variant occurs in the RMRP gene, which encodes an RNA molecule that does not result in a protein product.

NC_000009.12:g.35657840C>G

Gene: RMRP (RNA component of mitochondrial RNA processing endoribonuclease; minus strand). Cytogenetic location: 9p13.3.
Variant type: single nucleotide variant.
Genome position: GRCh38 VCF-style: chr9-35657840-C-G. GRCh37 (hg19) VCF-style: chr9-35657837-C-G.
Identifiers: ClinVar variation 1508875 (VCV001508875.13), dbSNP rs1287720442, ClinGen allele CA464450630.